The following is an entry in ClinVar:

ClinVar aggregate classification (germline): Pathogenic (1 of 4 stars; one submission).

Conditions:
Interstitial lung disease due to ABCA3 deficiency. Also called: PULMONARY ALVEOLAR PROTEINOSIS, CONGENITAL, 3. Identifiers: Orphanet 440402, MedGen C1970456, MONDO:0012582, OMIM 610921.

Submission:

Myriad Genetics, Inc.
Classification: Pathogenic for Interstitial lung disease due to ABCA3 deficiency. Last evaluated: 2025-07-29. Review status: criteria provided, single submitter. Criteria: Myriad Autosomal Dominant, Autosomal Recessive and X-Linked Classification Criteria (2023). Collection method: clinical testing. Allele origin: unknown.
Comment: NM_001089.2(ABCA3):c.645delG(Q215Hfs*24) is expected to be pathogenic in the context of surfactant deficiency, ABCA3-related. This variant is predicted to lead to an abnormal or absent protein product due to the creation of a premature termination codon in ABCA3, a gene where loss-of-function variants are known to be pathogenic. Please note: this variant was assessed in the context of healthy population screening.

NM_001089.3(ABCA3):c.645del (p.Gln215fs)

Gene: ABCA3 (ATP binding cassette subfamily A member 3; minus strand). Cytogenetic location: 16p13.3.
Variant type: Deletion.
Coding change: c.645del on transcript NM_001089.3 (MANE Select); coding-DNA position 645, one base deleted (G; older notation c.645delG).
Protein change: p.Gln215fs; shifts the reading frame from glutamine 215.
Molecular consequence: frameshift variant.
Genome position (GRCh38, 1-based): chr16:2,319,809, C deleted on the plus strand (G on the coding strand, the reverse complement: ABCA3 is on the minus strand). VCF-style (leftmost placement, unchanged base first): chr16-2319808-GC-G. GRCh37 (hg19) VCF-style: chr16-2369809-GC-G.
Other names: short protein forms Q215fs.
Identifiers: ClinVar variation 5014793 (VCV005014793.1).
Genomic context (GRCh38, chr16:2,319,808, plus strand): 5'-GGAACAGCTGGCGTGTGGCGGCATCGGCATGGTACTCCATGATGGCCCGGTCCACAGCAT[GC>G]TGCACGGCCAGGAAGCCTTCCCGGATGTACCCTGGGTGCGGGAGCAGAGGATGGCCCAGC-3'